The following is an entry in ClinVar:

NM_002485.5(NBN):c.47A>G (p.Tyr16Cys)

Gene: NBN (nibrin; minus strand). Cytogenetic location: 8q21.3.
Variant type: single nucleotide variant.
Coding change: c.47A>G on transcript NM_002485.5 (MANE Select); coding-DNA position 47, A replaced by G.
Protein change: p.Tyr16Cys; replaces tyrosine 16 with cysteine.
Molecular consequence: missense variant. On other transcripts: 5 prime UTR variant (1).
Genome position (GRCh38, 1-based): chr8:89,982,846, T>C on the plus strand (A>G on the coding strand, the complement: NBN is on the minus strand). VCF-style: chr8-89982846-T-C. GRCh37 (hg19) VCF-style: chr8-90995074-T-C.
Other names: c.-250A>G (NM_001024688.3); short protein forms Y16C.
Identifiers: ClinVar variation 825184 (VCV000825184.11), dbSNP rs864622726, ClinGen allele CA371663697.

ClinVar aggregate classification (germline): Uncertain significance. Review status: criteria provided, multiple submitters, no conflicts (2 of 4 stars). 3 submissions from 3 submitters: Uncertain significance (3). Last evaluated 2025-01-17.

Conditions:
Hereditary cancer-predisposing syndrome. Also called: Neoplastic Syndromes, Hereditary; Hereditary Cancer Syndrome; Hereditary neoplastic syndrome; Tumor predisposition. Identifiers: Orphanet 140162, MedGen C0027672, MeSH D009386, MONDO:0015356.
Microcephaly, normal intelligence and immunodeficiency (NBS). Also called: Nijmegen breakage syndrome; Microcephaly with normal intelligence immunodeficiency and lymphoreticular malignancies; Nonsyndromal microcephaly autosomal recessive with normal intelligence; Seemanova syndrome 2; Ataxia telangiectasia variant V1; BERLIN BREAKAGE SYNDROME. Identifiers: Orphanet 647, MedGen C0398791, MONDO:0009623, OMIM 251260.

Allele frequency attached by ClinVar (database versions not stated): gnomAD exomes below 0.00001.
gnomAD v4.1: 4 of 1,613,576 alleles (0.00025%); highest among the groups gnomAD compares: Middle Eastern, 0.017%; no homozygotes.

Submissions (3):

Ambry Genetics
Classification: Uncertain significance for Hereditary cancer-predisposing syndrome. Last evaluated: 2025-01-17. Review status: criteria provided, single submitter. Criteria: Ambry Variant Classification Scheme 2023. Collection method: clinical testing. Allele origin: germline.
Comment: The p.Y16C variant (also known as c.47A>G), located in coding exon 2 of the NBN gene, results from an A to G substitution at nucleotide position 47. The tyrosine at codon 16 is replaced by cysteine, an amino acid with highly dissimilar properties. This amino acid position is poorly conserved in available vertebrate species. In addition, this alteration is predicted to be tolerated by in silico analysis. Since supporting evidence is limited at this time, the clinical significance of this alteration remains unclear.

Quest Diagnostics Nichols Institute San Juan Capistrano
Classification: Uncertain significance. Last evaluated: 2024-10-11. Review status: criteria provided, single submitter. Criteria: Quest Diagnostics criteria. Collection method: clinical testing. Allele origin: unknown.
Comment: The NBN c.47A>G (p.Tyr16Cys) variant has not been reported in individuals with NBN-related conditions in the published literature. It also has not been reported in large, multi-ethnic general populations (Genome Aggregation Database). Analysis of this variant using bioinformatics tools for the prediction of the effect of amino acid changes on protein structure and function yielded predictions that this variant is benign. Based on the available information, we are unable to determine the clinical significance of this variant.

Labcorp Genetics (formerly Invitae), Labcorp
Classification: Uncertain significance for Microcephaly, normal intelligence and immunodeficiency. Last evaluated: 2023-09-25. Review status: criteria provided, single submitter. Criteria: Invitae Variant Classification Sherloc (09022015). Collection method: clinical testing. Allele origin: germline.
Comment: This variant has not been reported in the literature in individuals affected with NBN-related conditions. This variant is not present in population databases (gnomAD no frequency). This sequence change replaces tyrosine, which is neutral and polar, with cysteine, which is neutral and slightly polar, at codon 16 of the NBN protein (p.Tyr16Cys). ClinVar contains an entry for this variant (Variation ID: 825184). In summary, the available evidence is currently insufficient to determine the role of this variant in disease. Therefore, it has been classified as a Variant of Uncertain Significance. Algorithms developed to predict the effect of missense changes on protein structure and function output the following: SIFT: "Not Available"; PolyPhen-2: "Benign"; Align-GVGD: "Not Available". The cysteine amino acid residue is found in multiple mammalian species, which suggests that this missense change does not adversely affect protein function.